The following is an entry in ClinVar:

NM_003998.4(NFKB1):c.2499G>A (p.Trp833Ter)

Gene: NFKB1 (nuclear factor kappa B subunit 1; plus strand). Cytogenetic location: 4q24.
Variant type: single nucleotide variant.
Coding change: c.2499G>A on transcript NM_003998.4 (MANE Select); coding-DNA position 2499, G replaced by A.
Protein change: p.Trp833Ter; replaces tryptophan 833 with a stop codon.
Molecular consequence: nonsense.
Genome position (GRCh38, 1-based): chr4:102,612,513, G>A. VCF-style: chr4-102612513-G-A. GRCh37 (hg19) VCF-style: chr4-103533670-G-A.
Other names: c.2496G>A, p.Trp832Ter (NM_001165412.2, NM_001319226.2, NM_001382627.1); c.2499G>A, p.Trp833Ter (NM_001382625.1, NM_001382626.1); c.2457G>A, p.Trp819Ter (NM_001382628.1); short protein forms W832*, W819*, W833*.
Identifiers: ClinVar variation 2761575 (VCV002761575.3), dbSNP rs2476590806, ClinGen allele CA357754741.

ClinVar aggregate classification (germline): Pathogenic (1 of 4 stars; one submission).

Submission:

Labcorp Genetics (formerly Invitae), Labcorp
Classification: Pathogenic. Last evaluated: 2023-06-03. Review status: criteria provided, single submitter. Criteria: Invitae Variant Classification Sherloc (09022015). Collection method: clinical testing. Allele origin: germline.
Comment: This variant has not been reported in the literature in individuals affected with NFKB1-related conditions. This variant is not present in population databases (gnomAD no frequency). This sequence change creates a premature translational stop signal (p.Trp833*) in the NFKB1 gene. It is expected to result in an absent or disrupted protein product. Loss-of-function variants in NFKB1 are known to be pathogenic (PMID: 26279205, 29477724). For these reasons, this variant has been classified as Pathogenic.

Literature cited by the submitters: PubMed 26279205; PubMed 29477724.